The following is an entry in ClinVar:

NM_006237.4(POU4F1):c.657G>A (p.Leu219=)

Genes: OBI1-AS1 (OBI1 antisense RNA 1; plus strand), POU4F1 (POU class 4 homeobox 1; minus strand). Cytogenetic location: 13q31.1.
Variant type: single nucleotide variant.
Coding change: c.657G>A on transcript NM_006237.4 (MANE Select); coding-DNA position 657, G replaced by A.
Protein change: p.Leu219=; no amino-acid change (leucine 219 retained).
Molecular consequence: synonymous variant.
Genome position (GRCh38, 1-based): chr13:78,602,018, C>T on the plus strand (G>A on the coding strand, the complement: POU4F1 is on the minus strand). VCF-style: chr13-78602018-C-T. GRCh37 (hg19) VCF-style: chr13-79176153-C-T.
Identifiers: ClinVar variation 3898265 (VCV003898265.7).

ClinVar aggregate classification (germline): Likely benign (1 of 4 stars; one submission).

gnomAD v4.1: 1 of 829,320 alleles (0.00012%); no homozygotes.

Submission:

CeGaT Center for Human Genetics Tuebingen
Classification: Likely benign. Last evaluated: 2025-04-01. Review status: criteria provided, single submitter. Criteria: CeGaT Center For Human Genetics Tuebingen Variant Classification Criteria Version 2. Collection method: clinical testing. Allele origin: germline. Affected: yes. Observed: 1 variant allele.
Comment: POU4F1: BP4, BP7